The following is an entry in ClinVar:

NM_080916.3(DGUOK):c.384_385dup (p.Lys129fs)

Gene: DGUOK (deoxyguanosine kinase; plus strand). Cytogenetic location: 2p13.1.
Variant type: Microsatellite.
Coding change: c.384_385dup on transcript NM_080916.3 (MANE Select); coding-DNA positions 384 to 385, 2 bases duplicated (GA; older notation c.384_385dupGA).
Protein change: p.Lys129fs; shifts the reading frame from lysine 129.
Molecular consequence: frameshift variant. On other transcripts: non-coding transcript variant (5).
Genome position (GRCh38, 1-based): chr2:73,946,847-73,946,848, GA duplicated; duplicating any 2 consecutive bases within chr2:73,946,845-73,946,848 gives the same sequence; the c. name uses the placement nearest the transcript's 3' end. VCF-style (leftmost placement, unchanged base first): chr2-73946844-T-TGA. GRCh37 (hg19) VCF-style: chr2-74173971-T-TGA.
Other names: c.384_385dup, p.Lys129fs (NM_001318859.2, NM_080918.3); c.93_94dup, p.Lys32fs (NM_001318860.2, NM_001318861.2, NM_001318862.2 and 1 more transcripts); short protein forms K129fs, K32fs.
Identifiers: ClinVar variation 2681151 (VCV002681151.3), dbSNP rs2467032625, ClinGen allele CA2695200839.

ClinVar aggregate classification (germline): Likely pathogenic. Review status: criteria provided, single submitter (1 of 4 stars). 2 submissions from 2 submitters: Likely pathogenic (1). 1 of the submissions does not count toward it.

Conditions:
Mitochondrial DNA depletion syndrome 3 (hepatocerebral type). Also called: Deoxyguanosine Kinase Deficiency; MITOCHONDRIAL DNA DEPLETION SYNDROME 3; Mitochondrial DNA depletion syndrome, hepatocerebral form due to DGUOK deficiency. Identifiers: Orphanet 279934, MedGen CN074093, MONDO:0009636, OMIM 251880.
Progressive external ophthalmoplegia with mitochondrial DNA deletions, autosomal recessive 4. Also called: PROGRESSIVE EXTERNAL OPHTHALMOPLEGIA, AUTOSOMAL RECESSIVE 4; Adult-onset multiple mitochondrial DNA deletion syndrome due to DGUOK deficiency. Identifiers: Orphanet 329314, MedGen C4310733, MONDO:0014899, OMIM 617070.
Portal hypertension, noncirrhotic, 1 (NCPH1). Identifiers: MedGen CN305369, MONDO:8000013, OMIM 617068.

Submissions (2):

Juno Genomics, Hangzhou Juno Genomics, Inc
Classification: Likely pathogenic for Mitochondrial DNA depletion syndrome 3 (hepatocerebral type); Portal hypertension, noncirrhotic, 1; Progressive external ophthalmoplegia with mitochondrial DNA deletions, autosomal recessive 4. Review status: criteria provided, single submitter. Criteria: ACMG Guidelines, 2015. Collection method: clinical testing. Allele origin: germline.
Comment: Absent from controls (or at extremely low frequency if recessive) in Genome Aggregation Database.;Null variant in a gene where loss of function (LOF) is a known mechanism of disease.

Department of Medical Laboratory, Affiliated Hospital of Southwest Medical University
Classification: Likely pathogenic for Mitochondrial DNA depletion syndrome 3 (hepatocerebral type). Review status: no assertion criteria provided. Collection method: clinical testing. Allele origin: maternal. Affected: yes. Not counted in ClinVar's aggregate classification.